The following is an entry in ClinVar:

ClinVar aggregate classification (germline): Pathogenic (1 of 4 stars; one submission).

Conditions:
Fanconi anemia complementation group J. Also called: BRIP1-Related Fanconi Anemia. Identifiers: Orphanet 84, MedGen C1836860, MONDO:0012187, OMIM 609054.
Familial cancer of breast. Also called: BREAST CANCER, FAMILIAL; Hereditary breast cancer; hereditary breast carcinoma. Identifiers: Orphanet 227535, MedGen C0346153, MONDO:0016419, OMIM 114480. Disease mechanism: loss of function.

Submission:

Labcorp Genetics (formerly Invitae), Labcorp
Classification: Pathogenic for Familial cancer of breast; Fanconi anemia complementation group J. Last evaluated: 2022-11-08. Review status: criteria provided, single submitter. Criteria: Invitae Variant Classification Sherloc (09022015). Collection method: clinical testing. Allele origin: germline.
Comment: For these reasons, this variant has been classified as Pathogenic. Algorithms developed to predict the effect of sequence changes on RNA splicing suggest that this variant may disrupt the consensus splice site. This variant has not been reported in the literature in individuals affected with BRIP1-related conditions. This variant is not present in population databases (gnomAD no frequency). This sequence change creates a premature translational stop signal (p.Gln329Lysfs*9) in the BRIP1 gene. It is expected to result in an absent or disrupted protein product. Loss-of-function variants in BRIP1 are known to be pathogenic (PMID: 16116423, 17033622, 21964575).

Literature cited by the submitters: PubMed 16116423; PubMed 17033622; PubMed 21964575.

NM_032043.3(BRIP1):c.985del (p.Gln329fs)

Gene: BRIP1 (BRCA1 interacting DNA helicase 1; minus strand). Cytogenetic location: 17q23.2.
Variant type: Deletion.
Coding change: c.985del on transcript NM_032043.3 (MANE Select); coding-DNA position 985, one base deleted (C; older notation c.985delC).
Protein change: p.Gln329fs; shifts the reading frame from glutamine 329.
Molecular consequence: frameshift variant.
Genome position (GRCh38, 1-based): chr17:61,801,408, G deleted on the plus strand (C on the coding strand, the reverse complement: BRIP1 is on the minus strand); the first of 2 consecutive G bases (chr17:61,801,408-61,801,409); deleting either gives the same sequence. VCF-style (leftmost placement, unchanged base first): chr17-61801407-TG-T. GRCh37 (hg19) VCF-style: chr17-59878768-TG-T.
Other names: short protein forms Q329fs.
Identifiers: ClinVar variation 2941389 (VCV002941389.3), dbSNP rs2145339536, ClinGen allele CA2733908132.